The following is an entry in ClinVar:

NM_000182.5(HADHA):c.116C>G (p.Thr39Ser)

Gene: HADHA (hydroxyacyl-CoA dehydrogenase trifunctional multienzyme complex subunit alpha; minus strand). Cytogenetic location: 2p23.3.
Variant type: single nucleotide variant.
Coding change: c.116C>G on transcript NM_000182.5 (MANE Select); coding-DNA position 116, C replaced by G.
Protein change: p.Thr39Ser; replaces threonine 39 with serine.
Molecular consequence: missense variant.
Genome position (GRCh38, 1-based): chr2:26,238,998, G>C on the plus strand (C>G on the coding strand, the complement: HADHA is on the minus strand). VCF-style: chr2-26238998-G-C. GRCh37 (hg19) VCF-style: chr2-26461866-G-C.
Other names: short protein forms T39S.
Identifiers: ClinVar variation 3753609 (VCV003753609.2).

ClinVar aggregate classification (germline): Uncertain significance (1 of 4 stars; one submission).

Conditions:
Mitochondrial trifunctional protein deficiency. Identifiers: Orphanet 746, MedGen C1969443, MONDO:0012172.
Long chain 3-hydroxyacyl-CoA dehydrogenase deficiency. Also called: Deficiency of long-chain 3-hydroxyacyl-coenzyme A dehydrogenase; LCHAD Deficiency. Identifiers: Orphanet 5, MedGen C3711645, MONDO:0012173, OMIM 609016.

Submission:

Labcorp Genetics (formerly Invitae), Labcorp
Classification: Uncertain significance for Mitochondrial trifunctional protein deficiency; Long chain 3-hydroxyacyl-CoA dehydrogenase deficiency. Last evaluated: 2024-04-15. Review status: criteria provided, single submitter. Criteria: Invitae Variant Classification Sherloc (09022015). Collection method: clinical testing. Allele origin: germline.
Comment: This sequence change replaces threonine, which is neutral and polar, with serine, which is neutral and polar, at codon 39 of the HADHA protein (p.Thr39Ser). This variant is not present in population databases (gnomAD no frequency). This variant has not been reported in the literature in individuals affected with HADHA-related conditions. Advanced modeling of protein sequence and biophysical properties (such as structural, functional, and spatial information, amino acid conservation, physicochemical variation, residue mobility, and thermodynamic stability) performed at Invitae indicates that this missense variant is not expected to disrupt HADHA protein function with a negative predictive value of 95%. In summary, the available evidence is currently insufficient to determine the role of this variant in disease. Therefore, it has been classified as a Variant of Uncertain Significance.